The following is an entry in ClinVar:

NM_024809.5(TCTN2):c.1072G>A (p.Asp358Asn)

Gene: TCTN2 (tectonic family member 2; plus strand). Cytogenetic location: 12q24.31.
Variant type: single nucleotide variant.
Coding change: c.1072G>A on transcript NM_024809.5 (MANE Select); coding-DNA position 1072, G replaced by A.
Protein change: p.Asp358Asn; replaces aspartic acid 358 with asparagine.
Molecular consequence: missense variant.
Genome position (GRCh38, 1-based): chr12:123,692,696, G>A. VCF-style: chr12-123692696-G-A. GRCh37 (hg19) VCF-style: chr12-124177243-G-A.
Other names: c.1069G>A, p.Asp357Asn (NM_001143850.3); c.1072G>A, p.Asp358Asn (NM_001410989.1); short protein forms D357N, D358N.
Identifiers: ClinVar variation 2937448 (VCV002937448.3), dbSNP rs1956057786, ClinGen allele CA387141030.

ClinVar aggregate classification (germline): Uncertain significance (1 of 4 stars; one submission).

Conditions:
Joubert syndrome. Also called: CEREBELLOPARENCHYMAL DISORDER IV; JOUBERT-BOLTSHAUSER SYNDROME; Familial aplasia of the vermis. Identifiers: Orphanet 475, MedGen C5979921, MONDO:0018772.
Meckel-Gruber syndrome. Also called: DYSENCEPHALIA SPLANCHNOCYSTICA; GRUBER SYNDROME; Dysencephalia splachnocystica. Identifiers: Orphanet 564, MedGen C0265215, MONDO:0018921.

Allele frequency attached by ClinVar (database versions not stated): TOPMed below 0.00001.

Submission:

Labcorp Genetics (formerly Invitae), Labcorp
Classification: Uncertain significance for Joubert syndrome; Meckel-Gruber syndrome. Last evaluated: 2023-12-27. Review status: criteria provided, single submitter. Criteria: Invitae Variant Classification Sherloc (09022015). Collection method: clinical testing. Allele origin: germline.
Comment: This sequence change replaces aspartic acid, which is acidic and polar, with asparagine, which is neutral and polar, at codon 358 of the TCTN2 protein (p.Asp358Asn). This variant is not present in population databases (gnomAD no frequency). This variant has not been reported in the literature in individuals affected with TCTN2-related conditions. Advanced modeling of protein sequence and biophysical properties (such as structural, functional, and spatial information, amino acid conservation, physicochemical variation, residue mobility, and thermodynamic stability) performed at Invitae indicates that this missense variant is not expected to disrupt TCTN2 protein function with a negative predictive value of 80%. In summary, the available evidence is currently insufficient to determine the role of this variant in disease. Therefore, it has been classified as a Variant of Uncertain Significance.